The following is an entry in ClinVar:

NM_007078.3(LDB3):c.1574G>C (p.Gly525Ala)

Gene: LDB3 (LIM domain binding 3; plus strand). Cytogenetic location: 10q23.2.
Variant type: single nucleotide variant.
Coding change: c.1574G>C on transcript NM_007078.3 (MANE Select); coding-DNA position 1574, G replaced by C.
Protein change: p.Gly525Ala; replaces glycine 525 with alanine.
Molecular consequence: missense variant.
Genome position (GRCh38, 1-based): chr10:86,716,669, G>C. VCF-style: chr10-86716669-G-C. GRCh37 (hg19) VCF-style: chr10-88476426-G-C.
Other names: c.1244G>C, p.Gly415Ala (NM_001080114.2); c.1589G>C, p.Gly530Ala (NM_001171610.2); c.1385G>C, p.Gly462Ala (NM_001368064.1, NM_001368065.1); c.1433G>C, p.Gly478Ala (NM_001368066.1); short protein forms G462A, G525A, G530A, G415A, G478A.
Identifiers: ClinVar variation 1925884 (VCV001925884.5), dbSNP rs2492810339, ClinGen allele CA377451358.

ClinVar aggregate classification (germline): Uncertain significance (1 of 4 stars; one submission).

Conditions:
Myofibrillar myopathy 4. Also called: Zaspopathy (type). Identifiers: Orphanet 98912, MedGen C4721886, MONDO:0012277, OMIM 609452.

Submission:

Labcorp Genetics (formerly Invitae), Labcorp
Classification: Uncertain significance for Myofibrillar myopathy 4. Last evaluated: 2021-12-28. Review status: criteria provided, single submitter. Criteria: Invitae Variant Classification Sherloc (09022015). Collection method: clinical testing. Allele origin: germline.
Comment: The LDB3 gene has multiple clinically relevant transcripts. This variant occurs in alternate transcript NM_007078.3, and corresponds to NM_001080116.1:c.*17295G>C in the primary transcript. In summary, the available evidence is currently insufficient to determine the role of this variant in disease. Therefore, it has been classified as a Variant of Uncertain Significance. Experimental studies and prediction algorithms are not available or were not evaluated, and the functional significance of this variant is currently unknown. This variant has not been reported in the literature in individuals affected with LDB3-related conditions. This variant is not present in population databases (gnomAD no frequency). This sequence change replaces glycine, which is neutral and non-polar, with alanine, which is neutral and non-polar, at codon 525 of the LDB3 protein (p.Gly525Ala).